The following is an entry in ClinVar:

NM_004360.5(CDH1):c.1029G>T (p.Leu343=)

Gene: CDH1 (cadherin 1; plus strand). Cytogenetic location: 16q22.1.
Variant type: single nucleotide variant.
Coding change: c.1029G>T on transcript NM_004360.5 (MANE Select); coding-DNA position 1029, G replaced by T.
Protein change: p.Leu343=; no amino-acid change (leucine 343 retained).
Molecular consequence: synonymous variant. On other transcripts: 5 prime UTR variant (2).
Genome position (GRCh38, 1-based): chr16:68,812,155, G>T. VCF-style: chr16-68812155-G-T. GRCh37 (hg19) VCF-style: chr16-68846058-G-T.
Other names: c.1029G>T, p.Leu343= (NM_001317184.2); c.-587G>T (NM_001317185.2); c.-791G>T (NM_001317186.2).
Identifiers: ClinVar variation 818286 (VCV000818286.13), dbSNP rs1597894681, ClinGen allele CA496153015.

ClinVar aggregate classification (germline): Benign/Likely benign. Review status: criteria provided, multiple submitters, no conflicts (2 of 4 stars). 3 submissions from 3 submitters: Benign (1); Likely benign (2). Last evaluated 2024-09-17.

Conditions:
Hereditary cancer-predisposing syndrome. Also called: Hereditary Cancer Syndrome; Neoplastic Syndromes, Hereditary; Hereditary neoplastic syndrome; Tumor predisposition. Identifiers: Orphanet 140162, MedGen C0027672, MeSH D009386, MONDO:0015356.
Hereditary diffuse gastric adenocarcinoma (HDGC). Also called: DIFFUSE GASTRIC AND LOBULAR BREAST CANCER SYNDROME. Identifiers: Orphanet 26106, MedGen C1708349, MONDO:0007648, OMIM 137215.

Submissions (3):

Myriad Genetics, Inc.
Classification: Benign for Hereditary diffuse gastric adenocarcinoma. Last evaluated: 2024-09-17. Review status: criteria provided, single submitter. Criteria: Myriad Autosomal Dominant, Autosomal Recessive and X-Linked Classification Criteria (2023). Collection method: clinical testing. Allele origin: unknown.
Comment: This variant is considered benign. This variant is a silent/synonymous amino acid change and it is not expected to impact splicing.

Labcorp Genetics (formerly Invitae), Labcorp
Classification: Likely benign for Hereditary diffuse gastric adenocarcinoma. Last evaluated: 2021-03-13. Review status: criteria provided, single submitter. Criteria: Invitae Variant Classification Sherloc (09022015). Collection method: clinical testing. Allele origin: germline.

Ambry Genetics
Classification: Likely benign for Hereditary cancer-predisposing syndrome. Last evaluated: 2019-07-27. Review status: criteria provided, single submitter. Criteria: Ambry Variant Classification Scheme 2023. Collection method: clinical testing. Allele origin: germline.